The following is an entry in ClinVar:

ClinVar aggregate classification (germline): Uncertain significance (1 of 4 stars; one submission).

Conditions:
Inborn genetic diseases. Identifiers: MedGen C0950123, MeSH D030342.

Submission:

Ambry Genetics
Classification: Uncertain significance for Inborn genetic diseases. Last evaluated: 2021-03-25. Review status: criteria provided, single submitter. Criteria: Ambry Variant Classification Scheme 2023. Collection method: clinical testing. Allele origin: germline.
Comment: The c.1939_1941delAAG (p.K647del) alteration is located in exon 7 (coding exon 6) of the CENPJ gene. This alteration consists of an in-frame deletion of 3 nucleotides between nucleotide positions c.1939 and c.1941, resulting in the deletion of <NA> residues. Based on insufficient or conflicting evidence, the clinical significance of this alteration remains unclear.

NM_018451.5(CPAP):c.1939_1941del (p.Lys647del)

Gene: CPAP (centrosome assembly and centriole elongation protein; minus strand). Cytogenetic location: 13q12.13.
Variant type: Deletion.
Coding change: c.1939_1941del on transcript NM_018451.5 (MANE Select); coding-DNA positions 1939 to 1941, 3 bases deleted (AAG; older notation c.1939_1941delAAG).
Protein change: p.Lys647del; deletes lysine 647.
Molecular consequence: inframe deletion. On other transcripts: non-coding transcript variant (2).
Genome position (GRCh38, 1-based): chr13:24,906,097-24,906,099, CTT deleted on the plus strand (AAG on the coding strand, the reverse complement: CPAP is on the minus strand); deleting any 3 consecutive bases within chr13:24,906,097-24,906,101 gives the same sequence; the c. name uses the placement nearest the transcript's 3' end. VCF-style (leftmost placement, unchanged base first): chr13-24906096-CCTT-C. GRCh37 (hg19) VCF-style: chr13-25480234-CCTT-C.
Other names: short protein forms K647del.
Identifiers: ClinVar variation 2229714 (VCV002229714.2), dbSNP rs762656743, ClinGen allele CA6919669.